The following is an entry in ClinVar:

ClinVar aggregate classification (germline): Uncertain significance (1 of 4 stars; one submission).

Submission:

Labcorp Genetics (formerly Invitae), Labcorp
Classification: Uncertain significance. Last evaluated: 2023-04-05. Review status: criteria provided, single submitter. Criteria: Invitae Variant Classification Sherloc (09022015). Collection method: clinical testing. Allele origin: germline.
Comment: Variants that disrupt the consensus splice site are a relatively common cause of aberrant splicing (PMID: 17576681, 9536098). Algorithms developed to predict the effect of sequence changes on RNA splicing suggest that this variant may create or strengthen a splice site. ClinVar contains an entry for this variant (Variation ID: 2022781). This variant has not been reported in the literature in individuals affected with IARS2-related conditions. This variant is not present in population databases (gnomAD no frequency). This sequence change affects codon 130 of the IARS2 mRNA. It is a 'silent' change, meaning that it does not change the encoded amino acid sequence of the IARS2 protein. This variant also falls at the last nucleotide of exon 2, which is part of the consensus splice site for this exon. In summary, the available evidence is currently insufficient to determine the role of this variant in disease. Therefore, it has been classified as a Variant of Uncertain Significance.

Literature cited by the submitters: PubMed 17576681; PubMed 9536098.

NM_018060.4(IARS2):c.390G>A (p.Lys130=)

Gene: IARS2 (isoleucyl-tRNA synthetase 2, mitochondrial; plus strand). Cytogenetic location: 1q41.
Variant type: single nucleotide variant.
Coding change: c.390G>A on transcript NM_018060.4 (MANE Select); coding-DNA position 390, G replaced by A.
Protein change: p.Lys130=; no amino-acid change (lysine 130 retained).
Molecular consequence: synonymous variant.
Genome position (GRCh38, 1-based): chr1:220,096,226, G>A. VCF-style: chr1-220096226-G-A. GRCh37 (hg19) VCF-style: chr1-220269568-G-A.
Identifiers: ClinVar variation 2022781 (VCV002022781.4), dbSNP rs1327371998, ClinGen allele CA423150510.
Genomic context (GRCh38, chr1:220,096,226, plus strand): 5'-CCTTCATGATGGACCTCCTTATGCAAACGGTGACCCTCATGTTGGACATGCTTTAAATAA[G>A]GTAACTATAATTTAGGTTATGACACTTGAAAGAAAGTGTTTATGTAAATACTCTTTATAA-3'
Protein context (NP_060530.3, residues 120-140): GDPHVGHALN[Lys130=]ILKDIANRFH